The following is an entry in ClinVar:

ClinVar aggregate classification (germline): Pathogenic (1 of 4 stars; one submission).

Submission:

GeneDx
Classification: Pathogenic. Last evaluated: 2015-05-18. Review status: criteria provided, single submitter. Criteria: GeneDx Variant Classification (06012015). Collection method: clinical testing. Allele origin: germline. Affected: yes.
Comment: The c.1068delC variant in the MYT1L gene has not been reported previously as a pathogenic variant nor as a benign polymorphism, to our knowledge. The c.1068delC deletion is predicted to cause loss of normal protein function either through protein truncation or nonsense-mediated mRNA decay. The c.1068delC variant was not observed in approximately 6,300 individuals of Europeanand African American ancestry in the NHLBI Exome Sequencing Project, indicating it is not a commonbenign variant in these populations. We interpret c.1068delC as a pathogenic variant.

NM_001303052.2(MYT1L):c.1068del (p.Asn356fs)

Gene: MYT1L (myelin transcription factor 1 like; minus strand). Cytogenetic location: 2p25.3.
Variant type: Deletion.
Coding change: c.1068del on transcript NM_001303052.2 (MANE Select); coding-DNA position 1068, one base deleted (C; older notation c.1068delC).
Protein change: p.Asn356fs; shifts the reading frame from asparagine 356.
Molecular consequence: frameshift variant.
Genome position (GRCh38, 1-based): chr2:1,922,701, G deleted on the plus strand (C on the coding strand, the reverse complement: MYT1L is on the minus strand). VCF-style (leftmost placement, unchanged base first): chr2-1922700-TG-T. GRCh37 (hg19) VCF-style: chr2-1926472-TG-T.
Other names: c.1068del, p.Asn356fs (NM_001329844.2, NM_001329845.1, NM_001329846.3 and 6 more transcripts); short protein forms N356fs.
Identifiers: ClinVar variation 419088 (VCV000419088.2), dbSNP rs1064793635, ClinGen allele CA16617407.